The following is an entry in ClinVar:

ClinVar aggregate classification (germline): Uncertain significance (1 of 4 stars; one submission).

Allele frequency attached by ClinVar (database versions not stated): ExAC 0.00002; gnomAD 0.00001; gnomAD exomes 0.00001; TOPMed 0.00001.
gnomAD v4.1: 15 of 1,123,034 alleles (0.0013%); highest among the groups gnomAD compares: South Asian, 0.013%; no homozygotes.

Submission:

Labcorp Genetics (formerly Invitae), Labcorp
Classification: Uncertain significance. Last evaluated: 2023-12-21. Review status: criteria provided, single submitter. Criteria: Invitae Variant Classification Sherloc (09022015). Collection method: clinical testing. Allele origin: germline.
Comment: This sequence change replaces tyrosine, which is neutral and polar, with cysteine, which is neutral and slightly polar, at codon 553 of the ITSN2 protein (p.Tyr553Cys). The frequency data for this variant in the population databases is considered unreliable, as metrics indicate poor data quality at this position in the gnomAD database. This variant has not been reported in the literature in individuals affected with ITSN2-related conditions. ClinVar contains an entry for this variant (Variation ID: 2076449). Experimental studies and prediction algorithms are not available or were not evaluated, and the functional significance of this variant is currently unknown. In summary, the available evidence is currently insufficient to determine the role of this variant in disease. Therefore, it has been classified as a Variant of Uncertain Significance.

NM_006277.3(ITSN2):c.1658A>G (p.Tyr553Cys)

Gene: ITSN2 (intersectin 2; minus strand). Cytogenetic location: 2p23.3.
Variant type: single nucleotide variant.
Coding change: c.1658A>G on transcript NM_006277.3 (MANE Select); coding-DNA position 1658, A replaced by G.
Protein change: p.Tyr553Cys; replaces tyrosine 553 with cysteine.
Molecular consequence: missense variant.
Genome position (GRCh38, 1-based): chr2:24,293,753, T>C on the plus strand (A>G on the coding strand, the complement: ITSN2 is on the minus strand). VCF-style: chr2-24293753-T-C. GRCh37 (hg19) VCF-style: chr2-24516622-T-C.
Other names: c.1616A>G, p.Tyr539Cys (NM_001348181.2, NM_001348184.2); c.1658A>G, p.Tyr553Cys (NM_001348182.2, NM_001348183.2, NM_001348185.2 and 3 more transcripts); short protein forms Y553C, Y539C.
Identifiers: ClinVar variation 2076449 (VCV002076449.4), dbSNP rs758719170, ClinGen allele CA1551422.